The following is an entry in ClinVar:

ClinVar aggregate classification (germline): Pathogenic. Review status: criteria provided, multiple submitters, no conflicts (2 of 4 stars). 14 submissions from 14 submitters: Pathogenic (10). 4 of the submissions do not count toward it. Last evaluated 2025-12-03.

Conditions:
NBAS-related disorder. Also called: NBAS-related condition.
Infantile liver failure syndrome 2 (ILFS2). Identifiers: MedGen C3809651, MONDO:0014659, OMIM 616483.
Short stature-optic atrophy-Pelger-Huët anomaly syndrome. Also called: Short stature, optic nerve atrophy, and Pelger-Huet anomaly; Short stature-optic atrophy-Pelger-HuC+t anomaly syndrome. Identifiers: Orphanet 391677, MedGen C3541319, MONDO:0013889, OMIM 614800.
Acute infantile liver failure due to synthesis defect of mtDNA-encoded proteins. Also called: Liver failure acute infantile; LIVER FAILURE, INFANTILE, TRANSIENT; TRMU Deficiency. Identifiers: Orphanet 217371, MedGen C3278664, MONDO:0013111, OMIM 613070.
Retinal disorder. Also called: Retinopathy; Retinopathies; Retinal Diseases; Retinal disorders. Identifiers: MedGen C0035309, MONDO:0005283, HP:0000488.

Submissions (14):

Labcorp Genetics (formerly Invitae), Labcorp
Classification: Pathogenic. Last evaluated: 2025-12-03. Review status: criteria provided, single submitter. Criteria: Invitae Variant Classification Sherloc (09022015). Collection method: clinical testing. Allele origin: germline.
Comment: This sequence change creates a premature translational stop signal (p.Ser230Glnfs*4) in the NBAS gene. It is expected to result in an absent or disrupted protein product. Loss-of-function variants in NBAS are known to be pathogenic (PMID: 26073778, 26541327, 27789416, 28031453). This variant is present in population databases (rs759315662, gnomAD 0.1%). This premature translational stop signal has been observed in individuals with clinical features of SPOH syndrome (PMID: 26073778). ClinVar contains an entry for this variant (Variation ID: 204581). For these reasons, this variant has been classified as Pathogenic.

First Genomix Gene Laboratory, Genetic Diagnostics Department
Classification: Pathogenic for Infantile liver failure syndrome 2; Short stature-optic atrophy-Pelger-Huët anomaly syndrome. Last evaluated: 2025-05-23. Review status: criteria provided, single submitter. Criteria: ACMG Guidelines, 2015. Collection method: clinical testing. Allele origin: germline. Inheritance: Autosomal recessive inheritance. Affected: no. Observed: 1 variant allele.

Laboratory of Genetics, Children's Clinical University Hospital Latvia
Classification: Pathogenic. Last evaluated: 2025-02-16. Review status: criteria provided, single submitter. Criteria: ACMG Guidelines, 2015. Collection method: clinical testing. Allele origin: germline. Affected: yes.

Blueprint Genetics
Classification: Pathogenic for NBAS-related disorders. Last evaluated: 2024-10-29. Review status: criteria provided, single submitter. Criteria: ACMG Guidelines, 2015. Collection method: clinical testing. Allele origin: germline. Affected: yes. Observed: 5 variant alleles.

Human Genome Sequencing Center Clinical Lab, Baylor College of Medicine
Classification: Pathogenic for Infantile liver failure syndrome 2. Last evaluated: 2024-10-09. Review status: criteria provided, single submitter. Criteria: ACMG Guidelines, 2015. Collection method: clinical testing. Allele origin: inherited. Affected: yes.
Comment: These findings were confirmed by Sanger sequencing. Defects in NBAS gene may cause Short Stature, Optic Atrophy, Pelger-Huet anomaly (SOPH) syndrome [MIM: 614800], an autosomal recessive disorder associated with short stature, small for gestational growth, reduced bone mineral density, abnormality of vertebral column, delayed closure of fontanels, acute liver failure episodes, continuously elevated liver transaminases, decreased circulating IgG level, Pelger-Huet anomaly, abnormality of integument, neurodevelopmental delay, optic atrophy, and facial dysmorphism. Defects in NBAS gene are also known to cause Infantile Liver Failure Syndrome 2 (IFLS2) [MIM: 616483], characterized primarily by episodic acute liver failure with early onset. Genotype-phenotype correlations have been described in PMID 38244286, 30825388, 32812336. The c.686dup (p.Ser230Glnfs*4) variant in the NBAS gene is located in exon 9. It is predicted to result in frameshift and premature translation termination leading to aberrant or absent protein. This variant has been reported in compound heterozygous state in multiple unrelated individuals affected with SOPH-syndrome (PMID: 38244286, 30825388, 26541327); acute liver failure (PMID: 26073778, 26541327); and an intermediate phenotype (PMID 28031453). This variant has been classified as pathogenic by multiple submitters in ClinVar (ID: 204581). This variant is present at a frequency of 0.024% (393/1613722 chromosomes) in the general population database, gnomAD (v4). Based on the available evidence, this variant is classified as pathogenic.

GeneDx
Classification: Pathogenic. Last evaluated: 2024-06-06. Review status: criteria provided, single submitter. Criteria: GeneDx Variant Classification Process June 2021. Collection method: clinical testing. Allele origin: germline. Affected: yes.
Comment: Reported with a second NBAS variant, in trans or phase unknown, in multiple patients with short stature and RALF (PMID: 26073778, 32768688, 26541327); Frameshift variant predicted to result in protein truncation or nonsense mediated decay in a gene for which loss-of-function is a known mechanism of disease; This variant is associated with the following publications: (PMID: 26541327, 30825388, 31589614, 26073778, 32768688, 35379322, 31761904)

Fulgent Genetics
Classification: Pathogenic for Short stature-optic atrophy-Pelger-Huët anomaly syndrome; Infantile liver failure syndrome 2. Last evaluated: 2024-03-22. Review status: criteria provided, single submitter. Criteria: ACMG Guidelines, 2015. Collection method: clinical testing. Allele origin: germline.

Department of Pathology and Laboratory Medicine, Sinai Health System
Classification: Pathogenic for Infantile liver failure syndrome 2; Short stature-optic atrophy-Pelger-Huët anomaly syndrome. Last evaluated: 2023-03-13. Review status: criteria provided, single submitter. Criteria: ACMG Guidelines, 2015. Collection method: research. Allele origin: germline.

Women's Health and Genetics/Laboratory Corporation of America, LabCorp
Classification: Pathogenic for Acute infantile liver failure due to synthesis defect of mtDNA-encoded proteins. Last evaluated: 2022-11-05. Review status: criteria provided, single submitter. Criteria: LabCorp Variant Classification Summary - May 2015. Collection method: clinical testing. Allele origin: germline.
Comment: Variant summary: NBAS c.686dupT (p.Ser230GlnfsX4) results in a premature termination codon, predicted to cause a truncation of the encoded protein or absence of the protein due to nonsense mediated decay, which are commonly known mechanisms for disease. Truncations downstream of this position have been classified as pathogenic within ClinVar (e.g. c.1213C>T [p.Arg405Ter], c.1987C>T [p.Gln663Ter]). The variant allele was found at a frequency of 0.00041 in 282794 control chromosomes (gnomAD). This frequency is not significantly higher than expected for a pathogenic variant in NBAS causing Liver Failure Acute Infantile, Type 2 (0.00041 vs 0.0011), allowing no conclusion about variant significance. c.686dupT has been reported in the literature as a biallelic genotype in individuals affected with Recurrant Acute Liver Failture (e.g. Haack_2015, Baldridge_2017, Carli_2019). These data indicate that the variant is likely to be associated with disease. To our knowledge, no experimental evidence demonstrating an impact on protein function has been reported. Six ClinVar submitters have assessed the variant since 2014: all classified the variant as pathogenic. Based on the evidence outlined above, the variant was classified as pathogenic.

CeGaT Center for Human Genetics Tuebingen
Classification: Pathogenic. Last evaluated: 2022-03-01. Review status: criteria provided, single submitter. Criteria: CeGaT Center For Human Genetics Tuebingen Variant Classification Criteria Version 2. Collection method: clinical testing. Allele origin: germline. Affected: yes. Observed: 1 variant allele.

PreventionGenetics, part of Exact Sciences
Classification: Pathogenic for NBAS-related condition. Last evaluated: 2023-12-11. Review status: no assertion criteria provided. Collection method: clinical testing. Allele origin: germline. Not counted in ClinVar's aggregate classification.
Comment: The NBAS c.686dupT variant is predicted to result in a frameshift and premature protein termination (p.Ser230Glnfs*4). This variant has been reported in the compound heterozygous state in two unrelated individuals with acute liver failure (Families 1 and 10, Haack et al. 2015. PubMed ID: 26073778), and a third individual with hepatic, skeletal, ocular, and immunologic features, as well as dysmorphic facies (Patient 2, Carli et al. 2019. PubMed ID: 30825388). This variant is reported in 0.12% of alleles in individuals of European (Finnish) descent in gnomAD. Frameshift variants in NBAS are expected to be pathogenic. This variant is interpreted as pathogenic.

Laboratory of Medical Genetics, University of Torino
Classification: Pathogenic for Infantile liver failure syndrome 2. Last evaluated: 2018-11-07. Review status: no assertion criteria provided. Collection method: clinical testing. Allele origin: inherited. Affected: yes. Observed: 1 variant allele. Not counted in ClinVar's aggregate classification.
Comment: Found in compound heterozygosity with c.6840G>A

OMIM
Classification: Pathogenic for INFANTILE LIVER FAILURE SYNDROME 2. Last evaluated: 2015-07-02. Review status: no assertion criteria provided. Collection method: literature only. Allele origin: germline. Not counted in ClinVar's aggregate classification.

Genetics Laboratory, Great Ormond Street Hospital NHS Foundation Trust, North Thames Genomic Laboratory Hub
Classification: Uncertain significance for Retinal disorders. Last evaluated: 2026-01-02. Review status: flagged submission. Criteria: ACGS Best Practice Guidelines for Variant Classification in Rare Disease 2024 v1.2. Collection method: clinical testing. Allele origin: germline. Affected: yes. Not counted in ClinVar's aggregate classification.
Comment: PVS1_very-strong
ClinVar note: Reason: Outlier claim with insufficient supporting evidence

Literature cited by the submitters: PubMed 26073778 (cited by 4 submitters); PubMed 26541327 (cited by Labcorp Genetics (formerly Invitae), Labcorp and Human Genome Sequencing Center Clinical Lab, Baylor College of Medicine); PubMed 27789416 (cited by Labcorp Genetics (formerly Invitae), Labcorp); PubMed 28031453 (cited by Labcorp Genetics (formerly Invitae), Labcorp); PubMed 38244286 (cited by Human Genome Sequencing Center Clinical Lab, Baylor College of Medicine); PubMed 30825388 (cited by Human Genome Sequencing Center Clinical Lab, Baylor College of Medicine and Women's Health and Genetics/Laboratory Corporation of America, LabCorp); PubMed 28252636 (cited by Women's Health and Genetics/Laboratory Corporation of America, LabCorp).

NM_015909.4(NBAS):c.686dup (p.Ser230fs)

Gene: NBAS (NBAS subunit of NRZ tethering complex; minus strand). Cytogenetic location: 2p24.3.
Variant type: Duplication.
Coding change: c.686dup on transcript NM_015909.4 (MANE Select); coding-DNA position 686, one base duplicated (T; older notation c.686dupT).
Protein change: p.Ser230fs; shifts the reading frame from serine 230.
Molecular consequence: frameshift variant. On other transcripts: non-coding transcript variant (1).
Genome position (GRCh38, 1-based): chr2:15,534,603, A duplicated on the plus strand (T on the coding strand, the reverse complement: NBAS is on the minus strand); the first of 3 consecutive A bases (chr2:15,534,603-15,534,605); duplicating any one gives the same sequence. VCF-style (leftmost placement, unchanged base first): chr2-15534602-G-GA. GRCh37 (hg19) VCF-style: chr2-15674726-G-GA.
Other names: c.686dup (NM_015909.3); c.686dupT (NM_015909.4); short protein forms S230fs.
Identifiers: ClinVar variation 204581 (VCV000204581.52), dbSNP rs759315662, ClinGen allele CA204029.